The following is an entry in ClinVar:

ClinVar aggregate classification (germline): Pathogenic (1 of 4 stars; one submission).

Conditions:
RASA1-related disorder. Also called: RASA1-related condition.

Submission:

PreventionGenetics, part of Exact Sciences
Classification: Pathogenic for RASA1-related condition. Last evaluated: 2025-03-14. Review status: criteria provided, single submitter. Criteria: ACMG Guidelines, 2015. Collection method: clinical testing. Allele origin: germline.
Comment: The RASA1 c.1698+1G>T variant is predicted to disrupt the GT donor site and interfere with normal splicing. This variant was reported in an individual with capillary malformation-arteriovenous malformation (CM-AVM) (Revencu et al. 2013. PubMed ID: 24038909). This variant has not been reported in a large population database (gnomAD), indicating this variant is rare. Variants that disrupt the consensus splice donor site in RASA1 are expected to be pathogenic. This variant is interpreted as pathogenic.

NM_002890.3(RASA1):c.1698+1G>T

Genes: CCNH (cyclin H; minus strand), RASA1 (RAS p21 protein activator 1; plus strand). Cytogenetic location: 5q14.3.
Variant type: single nucleotide variant.
Coding change: c.1698+1G>T on transcript NM_002890.3 (MANE Select); the canonical splice donor site of the intron after coding-DNA position 1698, G replaced by T.
Molecular consequence: splice donor variant. On other transcripts: intron variant (1).
Genome position (GRCh38, 1-based): chr5:87,369,901, G>T. VCF-style: chr5-87369901-G-T. GRCh37 (hg19) VCF-style: chr5-86665718-G-T.
Other names: c.1167+1G>T (NM_022650.3); c.933+25143C>A (NM_001364075.2).
Identifiers: ClinVar variation 4989842 (VCV004989842.1).